The following is an entry in ClinVar:

NM_001008537.3(NEXMIF):c.3118A>G (p.Ile1040Val)

Gene: NEXMIF (neurite extension and migration factor; minus strand). Cytogenetic location: Xq13.3.
Variant type: single nucleotide variant.
Coding change: c.3118A>G on transcript NM_001008537.3 (MANE Select); coding-DNA position 3118, A replaced by G.
Protein change: p.Ile1040Val; replaces isoleucine 1040 with valine.
Molecular consequence: missense variant.
Genome position (GRCh38, 1-based): chrX:74,741,439, T>C on the plus strand (A>G on the coding strand, the complement: NEXMIF is on the minus strand). VCF-style: chrX-74741439-T-C. GRCh37 (hg19) VCF-style: chrX-73961274-T-C.
Other names: short protein forms I1040V.
Identifiers: ClinVar variation 1978786 (VCV001978786.4), dbSNP rs2080102997, ClinGen allele CA413666672.

ClinVar aggregate classification (germline): Uncertain significance (1 of 4 stars; one submission).

Allele frequency attached by ClinVar (database versions not stated): TOPMed below 0.00001; gnomAD 0.00001; gnomAD exomes 0.00001.
gnomAD v4.1: 13 of 1,209,837 alleles (0.0011%); highest among the groups gnomAD compares: Non-Finnish European, 0.0015%; no homozygotes.

Submission:

Labcorp Genetics (formerly Invitae), Labcorp
Classification: Uncertain significance. Last evaluated: 2024-05-06. Review status: criteria provided, single submitter. Criteria: Invitae Variant Classification Sherloc (09022015). Collection method: clinical testing. Allele origin: germline.
Comment: This sequence change replaces isoleucine, which is neutral and non-polar, with valine, which is neutral and non-polar, at codon 1040 of the NEXMIF protein (p.Ile1040Val). This variant is not present in population databases (gnomAD no frequency). This variant has not been reported in the literature in individuals affected with NEXMIF-related conditions. ClinVar contains an entry for this variant (Variation ID: 1978786). Algorithms developed to predict the effect of missense changes on protein structure and function output the following: SIFT: "Not Available"; PolyPhen-2: "Benign"; Align-GVGD: "Not Available". The valine amino acid residue is found in multiple mammalian species, which suggests that this missense change does not adversely affect protein function. In summary, the available evidence is currently insufficient to determine the role of this variant in disease. Therefore, it has been classified as a Variant of Uncertain Significance.